The following is an entry in ClinVar:

ClinVar aggregate classification (germline): Pathogenic/Likely pathogenic. Review status: criteria provided, multiple submitters, no conflicts (2 of 4 stars). 4 submissions from 4 submitters: Pathogenic (1); Likely pathogenic (3). Last evaluated 2025-05-06.

Conditions:
Retinoblastoma (RB1). Also called: RETINOBLASTOMA, SOMATIC. Identifiers: Orphanet 790, MedGen C0035335, MeSH D012175, MONDO:0008380, OMIM 180200, HP:0009919. Disease mechanism: loss of function. Inheritance: Both sporadic and heritable forms are tested..
Hereditary cancer-predisposing syndrome. Also called: Hereditary Cancer Syndrome; Hereditary neoplastic syndrome; Neoplastic Syndromes, Hereditary; Tumor predisposition. Identifiers: Orphanet 140162, MedGen C0027672, MeSH D009386, MONDO:0015356.

Submissions (4):

Ambry Genetics
Classification: Likely pathogenic for Hereditary cancer-predisposing syndrome. Last evaluated: 2025-05-06. Review status: criteria provided, single submitter. Criteria: Ambry Variant Classification Scheme 2023. Collection method: clinical testing. Allele origin: germline.
Comment: The c.381-1G>A intronic variant results from a G to A substitution one nucleotide upstream from coding exon 4 of the RB1 gene. Alterations that disrupt the canonical splice site are expected to cause aberrant splicing, resulting in an abnormal protein or a transcript that is subject to nonsense-mediated mRNA decay. This variant was reported in individual(s) with features consistent with RB1-related hereditary retinoblastoma (Ambry internal data). In silico splice site analysis predicts that this alteration will weaken the native splice acceptor site and will result in the creation or strengthening of a novel splice acceptor site; however, direct evidence is insufficient at this time (Ambry internal data). This variant is considered to be rare based on population cohorts in the Genome Aggregation Database (gnomAD). Based on the majority of available evidence to date, this variant is likely to be pathogenic.

GeneDx
Classification: Likely pathogenic. Last evaluated: 2025-01-28. Review status: criteria provided, single submitter. Criteria: GeneDx Variant Classification Process June 2021. Collection method: clinical testing. Allele origin: germline. Affected: yes.
Comment: Canonical splice site variant predicted to result in an in-frame loss of the adjacent exon in a gene for which loss of function is a known mechanism of disease; Not observed at significant frequency in large population cohorts (gnomAD); This variant is associated with the following publications: (PMID: 23516486, 34301788)

Laboratorio de Genetica e Diagnostico Molecular, Hospital Israelita Albert Einstein
Classification: Likely pathogenic for Retinoblastoma. Last evaluated: 2022-03-09. Review status: criteria provided, single submitter. Criteria: ACMG Guidelines, 2015. Collection method: clinical testing. Allele origin: germline. Affected: yes. Observed: 1 variant allele.
Comment: ACMG classification criteria: PVS1 strong, PM2 moderated

St. Jude Molecular Pathology, St. Jude Children's Research Hospital
Classification: Pathogenic for Retinoblastoma. Last evaluated: 2016-06-10. Review status: criteria provided, single submitter. Criteria: ACMG Guidelines, 2015. Collection method: clinical testing. Allele origin: germline. Affected: yes.
Comment: This is a splice site alteration in which a G is replaced by an A at one position upstream from coding position 381 (immediately prior to the start of exon 4).

NM_000321.3(RB1):c.381-1G>A

Gene: RB1 (RB transcriptional corepressor 1; plus strand). Cytogenetic location: 13q14.2.
Variant type: single nucleotide variant.
Coding change: c.381-1G>A on transcript NM_000321.3 (MANE Select); the canonical splice acceptor site of the intron before coding-DNA position 381, G replaced by A.
Molecular consequence: splice acceptor variant.
Genome position (GRCh38, 1-based): chr13:48,345,079, G>A. VCF-style: chr13-48345079-G-A. GRCh37 (hg19) VCF-style: chr13-48919215-G-A.
Other names: c.381-1G>A (NM_001407165.1, NM_001407166.1).
Identifiers: ClinVar variation 590844 (VCV000590844.7), dbSNP rs1566186836, ClinGen allele CA388252586.
Genomic context (GRCh38, chr13:48,345,079, plus strand): 5'-AACGAAATAACACAAATTTTTAAGGTTACTGATTTACTTTTTTCTATTCTTTCCTTTGTA[G>A]TGTCCATAAATTCTTTAACTTACTAAAAGAAATTGATACCAGTACCAAAGTTGATAATGC-3'